The following is an entry in ClinVar:

NM_002335.4(LRP5):c.2433del (p.Ile811fs)

Gene: LRP5 (LDL receptor related protein 5; plus strand). Cytogenetic location: 11q13.2.
Variant type: Deletion.
Coding change: c.2433del on transcript NM_002335.4 (MANE Select); coding-DNA position 2433, one base deleted (T; older notation c.2433delT).
Protein change: p.Ile811fs; shifts the reading frame from isoleucine 811.
Molecular consequence: frameshift variant.
Genome position (GRCh38, 1-based): chr11:68,411,550, T deleted; the last of 2 consecutive T bases (chr11:68,411,549-68,411,550); deleting either gives the same sequence. VCF-style (leftmost placement, unchanged base first): chr11-68411548-AT-A. GRCh37 (hg19) VCF-style: chr11-68179016-AT-A.
Other names: c.690del, p.Ile230fs (NM_001291902.2); short protein forms I811fs, I230fs.
Identifiers: ClinVar variation 4766465 (VCV004766465.1).

ClinVar aggregate classification (germline): Pathogenic (1 of 4 stars; one submission).

Submission:

Labcorp Genetics (formerly Invitae), Labcorp
Classification: Pathogenic. Last evaluated: 2025-06-12. Review status: criteria provided, single submitter. Criteria: Invitae Variant Classification Sherloc (09022015). Collection method: clinical testing. Allele origin: germline.
Comment: This sequence change creates a premature translational stop signal (p.Ile811Metfs*17) in the LRP5 gene. It is expected to result in an absent or disrupted protein product. Loss-of-function variants in LRP5 are known to be pathogenic (PMID: 11719191, 16252235, 25711638). This variant is not present in population databases (gnomAD no frequency). This variant has not been reported in the literature in individuals affected with LRP5-related conditions. For these reasons, this variant has been classified as Pathogenic.

Literature cited by the submitters: PubMed 11719191; PubMed 16252235; PubMed 25711638.